The following is an entry in ClinVar:

NM_003823.4(TNFRSF6B):c.388G>A (p.Ala130Thr)

Genes: RTEL1-TNFRSF6B (RTEL1-TNFRSF6B readthrough (NMD candidate); plus strand), TNFRSF6B (TNF receptor superfamily member 6b; plus strand). Cytogenetic location: 20q13.33.
Variant type: single nucleotide variant.
Coding change: c.388G>A on transcript NM_003823.4 (MANE Select); coding-DNA position 388, G replaced by A.
Protein change: p.Ala130Thr; replaces alanine 130 with threonine.
Molecular consequence: missense variant. On other transcripts: non-coding transcript variant (1).
Genome position (GRCh38, 1-based): chr20:63,697,155, G>A. VCF-style: chr20-63697155-G-A. GRCh37 (hg19) VCF-style: chr20-62328508-G-A.
Other names: c.388G>A (NM_003823.3); short protein forms A130T.
Identifiers: ClinVar variation 1374726 (VCV001374726.9), dbSNP rs746174066, ClinGen allele CA9966435.

ClinVar aggregate classification (germline): Conflicting classifications of pathogenicity. Review status: criteria provided, conflicting classifications (1 of 4 stars). 2 submissions from 2 submitters: Uncertain significance (1); Likely benign (1). Last evaluated 2025-04-17.

Allele frequency attached by ClinVar (database versions not stated): gnomAD 0.00002; TOPMed 0.00002; gnomAD exomes 0.00003; ExAC 0.00012.

Submissions (2):

Labcorp Genetics (formerly Invitae), Labcorp
Classification: Uncertain significance. Last evaluated: 2025-04-17. Review status: criteria provided, single submitter. Criteria: Invitae Variant Classification Sherloc (09022015). Collection method: clinical testing. Allele origin: germline.
Comment: This sequence change replaces alanine, which is neutral and non-polar, with threonine, which is neutral and polar, at codon 130 of the TNFRSF6B protein (p.Ala130Thr). The frequency data for this variant in the population databases is considered unreliable, as metrics indicate poor data quality at this position in the gnomAD database. This variant has not been reported in the literature in individuals affected with TNFRSF6B-related conditions. ClinVar contains an entry for this variant (Variation ID: 1374726). An algorithm developed to predict the effect of missense changes on protein structure and function outputs the following: PolyPhen-2: "Benign". The threonine amino acid residue is found in multiple mammalian species, which suggests that this missense change does not adversely affect protein function. In summary, the available evidence is currently insufficient to determine the role of this variant in disease. Therefore, it has been classified as a Variant of Uncertain Significance.

Ambry Genetics
Classification: Likely benign. Last evaluated: 2023-11-27. Review status: criteria provided, single submitter. Criteria: Ambry Variant Classification Scheme 2023. Collection method: clinical testing. Allele origin: germline.